The following is an entry in ClinVar:

NM_000152.5(GAA):c.1572C>G (p.Asn524Lys)

Gene: GAA (alpha glucosidase; plus strand). Cytogenetic location: 17q25.3.
Variant type: single nucleotide variant.
Coding change: c.1572C>G on transcript NM_000152.5 (MANE Select); coding-DNA position 1572, C replaced by G.
Protein change: p.Asn524Lys; replaces asparagine 524 with lysine.
Molecular consequence: missense variant.
Genome position (GRCh38, 1-based): chr17:80,110,961, C>G. VCF-style: chr17-80110961-C-G. GRCh37 (hg19) VCF-style: chr17-78084760-C-G.
Other names: c.1572C>G, p.Asn524Lys (NM_001079803.3, NM_001079804.3); short protein forms N524K.
Identifiers: ClinVar variation 1524346 (VCV001524346.6), dbSNP rs1417304813, ClinGen allele CA401367225.

ClinVar aggregate classification (germline): Uncertain significance (1 of 4 stars; one submission).

Conditions:
Glycogen storage disease, type II (IOPD). Also called: CARDIOMEGALIA GLYCOGENICA DIFFUSA; Pompe Disease; GLYCOGENOSIS, GENERALIZED, CARDIAC FORM; GSD II; Glycogen storage disease type 2; Acid maltase deficiency disease. Identifiers: Orphanet 365, MedGen C0017921, MONDO:0009290, OMIM 232300.

Submission:

Labcorp Genetics (formerly Invitae), Labcorp
Classification: Uncertain significance for Glycogen storage disease, type II. Last evaluated: 2021-10-11. Review status: criteria provided, single submitter. Criteria: Invitae Variant Classification Sherloc (09022015). Collection method: clinical testing. Allele origin: germline.
Comment: In summary, the available evidence is currently insufficient to determine the role of this variant in disease. Therefore, it has been classified as a Variant of Uncertain Significance. Advanced modeling of protein sequence and biophysical properties (such as structural, functional, and spatial information, amino acid conservation, physicochemical variation, residue mobility, and thermodynamic stability) performed at Invitae indicates that this missense variant is expected to disrupt GAA protein function. This variant has not been reported in the literature in individuals affected with GAA-related conditions. This variant is not present in population databases (ExAC no frequency). This sequence change replaces asparagine with lysine at codon 524 of the GAA protein (p.Asn524Lys). The asparagine residue is highly conserved and there is a moderate physicochemical difference between asparagine and lysine.